The following is an entry in ClinVar:

ClinVar aggregate classification (germline): Conflicting classifications of pathogenicity. Review status: criteria provided, conflicting classifications (1 of 4 stars). 7 submissions from 6 submitters: Uncertain significance (1); Likely benign (4). 2 of the submissions do not count toward it. Last evaluated 2026-05-01.

Conditions:
Autosomal dominant cerebellar ataxia. Also called: Spinocerebellar Ataxia, Dominant. Identifiers: Orphanet 99, MedGen C4087347, MONDO:0020380.
Charcot-Marie-Tooth disease. Also called: Charcot-Marie-Tooth Neuropathy; Charcot-Marie-Tooth Hereditary Neuropathy. Identifiers: Orphanet 166, MedGen C0007959, MONDO:0015626.
Charcot-Marie-Tooth disease axonal type 2O. Also called: Charcot-Marie-Tooth disease, axonal, type 20; CHARCOT-MARIE-TOOTH NEUROPATHY, AXONAL, TYPE 2O; CHARCOT-MARIE-TOOTH DISEASE, AXONAL, AUTOSOMAL DOMINANT, TYPE 2O; Charcot-Marie-Tooth Neuropathy Type 2O. Identifiers: Orphanet 284232, MedGen C3280220, MONDO:0013644, OMIM 614228.
Autism spectrum disorder. Also called: Autism spectrum disorders. Identifiers: MedGen C1510586, MeSH D000067877, MONDO:0005258.

Allele frequency attached by ClinVar (database versions not stated): gnomAD 0.00002; gnomAD exomes 0.00004 and 0.00006; TOPMed 0.00005; ExAC 0.00007; ESP Exome Variant Server 0.00015.
gnomAD v4.1: 63 of 1,613,728 alleles (0.0039%); highest among the groups gnomAD compares: East Asian, 0.011%; no homozygotes.

Submissions (7):

CeGaT Center for Human Genetics Tuebingen
Classification: Uncertain significance. Last evaluated: 2026-05-01. Review status: criteria provided, single submitter. Criteria: CeGaT Center For Human Genetics Tuebingen Variant Classification Criteria Version 2. Collection method: clinical testing. Allele origin: germline. Affected: yes. Observed: 1 variant allele.

Labcorp Genetics (formerly Invitae), Labcorp
Classification: Likely benign for Charcot-Marie-Tooth disease axonal type 2O. Last evaluated: 2025-12-05. Review status: criteria provided, single submitter. Criteria: Invitae Variant Classification Sherloc (09022015). Collection method: clinical testing. Allele origin: germline.

GeneDx
Classification: Likely benign. Last evaluated: 2019-03-01. Review status: criteria provided, single submitter. Criteria: GeneDx Variant Classification Process June 2021. Collection method: clinical testing. Allele origin: germline. Affected: yes.
Comment: This variant is associated with the following publications: (PMID: 30504930, 31981491)

Illumina Laboratory Services, Illumina
Classification: Likely benign for Spinocerebellar Ataxia, Dominant. Last evaluated: 2018-01-13. Review status: criteria provided, single submitter. Criteria: ICSL Variant Classification Criteria 13 December 2019. Collection method: clinical testing. Allele origin: germline.
Comment: This variant was observed in the ICSL laboratory as part of a predisposition screen in an ostensibly healthy population. It had not been previously curated by ICSL or reported in the Human Gene Mutation Database (HGMD: prior to June 1st, 2018), and was therefore a candidate for classification through an automated scoring system. Utilizing variant allele frequency, disease prevalence and penetrance estimates, and inheritance mode, an automated score was calculated to assess if this variant is too frequent to cause the disease. Based on the score and internal cut-off values, a variant classified as likely benign is not then subjected to further curation. The score for this variant resulted in a classification of likely benign for this disease.

Illumina Laboratory Services, Illumina
Classification: Likely benign for Charcot-Marie-Tooth disease axonal type 2O. Last evaluated: 2018-01-13. Review status: criteria provided, single submitter. Criteria: ICSL Variant Classification Criteria 13 December 2019. Collection method: clinical testing. Allele origin: germline.
Comment: the same text as in the submission from Illumina Laboratory Services, Illumina above.

Genesis Genome Database
Classification: Uncertain significance for Charcot-Marie-Tooth disease. Last evaluated: 2019-08-14. Review status: no assertion criteria provided. Collection method: research. Allele origin: germline. Affected: yes. Not counted in ClinVar's aggregate classification.

University of Washington Center for Mendelian Genomics, University of Washington
Classification: Likely pathogenic for Autism spectrum disorder. Review status: no assertion criteria provided. Collection method: research. Allele origin: de novo. Affected: yes. Not counted in ClinVar's aggregate classification.

Literature cited by the submitters: PubMed 30504930 (cited by University of Washington Center for Mendelian Genomics, University of Washington).

NM_001376.5(DYNC1H1):c.13088A>C (p.Lys4363Thr)

Gene: DYNC1H1 (dynein cytoplasmic 1 heavy chain 1; plus strand). Cytogenetic location: 14q32.31.
Variant type: single nucleotide variant.
Coding change: c.13088A>C on transcript NM_001376.5 (MANE Select); coding-DNA position 13088, A replaced by C.
Protein change: p.Lys4363Thr; replaces lysine 4363 with threonine.
Molecular consequence: missense variant.
Genome position (GRCh38, 1-based): chr14:102,047,898, A>C. VCF-style: chr14-102047898-A-C. GRCh37 (hg19) VCF-style: chr14-102514235-A-C.
Other names: short protein forms K4363T.
Identifiers: ClinVar variation 238994 (VCV000238994.23), dbSNP rs141925609, ClinGen allele CA7354141.